The following is an entry in ClinVar:

NM_004928.3(CFAP410):c.561T>C (p.Asp187=)

Gene: CFAP410 (cilia and flagella associated protein 410; minus strand). Cytogenetic location: 21q22.3.
Variant type: single nucleotide variant.
Coding change: c.561T>C on transcript NM_004928.3 (MANE Select); coding-DNA position 561, T replaced by C.
Protein change: p.Asp187=; no amino-acid change (aspartic acid 187 retained).
Molecular consequence: synonymous variant.
Genome position (GRCh38, 1-based): chr21:44,330,904, A>G on the plus strand (T>C on the coding strand, the complement: CFAP410 is on the minus strand). VCF-style: chr21-44330904-A-G. GRCh37 (hg19) VCF-style: chr21-45750787-A-G.
Other names: c.558T>C, p.Asp186= (NM_001271440.2, NM_001271441.2); c.435T>C, p.Asp145= (NM_001271442.1); c.561T>C (NM_004928.2).
Identifiers: ClinVar variation 1103712 (VCV001103712.12), dbSNP rs751274493, ClinGen allele CA10053601.

ClinVar aggregate classification (germline): Likely benign. Review status: criteria provided, multiple submitters, no conflicts (2 of 4 stars). 3 submissions from 3 submitters: Likely benign (2). 1 of the submissions does not count toward it. Last evaluated 2024-09-25.

Conditions:
CFAP410-related disorder. Also called: CFAP410-related condition.

Allele frequency attached by ClinVar (database versions not stated): gnomAD 0.00001; gnomAD exomes 0.00002 and 0.00006; TOPMed 0.00002; ExAC 0.00013; 1000 Genomes Project 30x 0.00016.
gnomAD v4.1: 34 of 1,597,658 alleles (0.0021%); highest among the groups gnomAD compares: East Asian, 0.036%; no homozygotes.

Submissions (3):

Blueprint Genetics
Classification: Likely benign. Last evaluated: 2024-09-25. Review status: criteria provided, single submitter. Criteria: ACMG Guidelines, 2015. Collection method: clinical testing. Allele origin: germline.

Labcorp Genetics (formerly Invitae), Labcorp
Classification: Likely benign. Last evaluated: 2024-04-15. Review status: criteria provided, single submitter. Criteria: Invitae Variant Classification Sherloc (09022015). Collection method: clinical testing. Allele origin: germline.

PreventionGenetics, part of Exact Sciences
Classification: Likely benign for CFAP410-related condition. Last evaluated: 2023-06-15. Review status: no assertion criteria provided. Collection method: clinical testing. Allele origin: germline. Not counted in ClinVar's aggregate classification.
Comment: This variant is classified as likely benign based on ACMG/AMP sequence variant interpretation guidelines (Richards et al. 2015 PMID: 25741868, with internal and published modifications).